The following is an entry in ClinVar:

NM_004539.4(NARS1):c.986G>C (p.Arg329Pro)

Gene: NARS1 (asparaginyl-tRNA synthetase 1; minus strand). Cytogenetic location: 18q21.31.
Variant type: single nucleotide variant.
Coding change: c.986G>C on transcript NM_004539.4 (MANE Select); coding-DNA position 986, G replaced by C.
Protein change: p.Arg329Pro; replaces arginine 329 with proline.
Molecular consequence: missense variant.
Genome position (GRCh38, 1-based): chr18:57,607,149, C>G on the plus strand (G>C on the coding strand, the complement: NARS1 is on the minus strand). VCF-style: chr18-57607149-C-G. GRCh37 (hg19) VCF-style: chr18-55274381-C-G.
Other names: short protein forms R329P.
Identifiers: ClinVar variation 3393321 (VCV003393321.2).

ClinVar aggregate classification (germline): Uncertain significance (1 of 4 stars; one submission).

Conditions:
Neurodevelopmental disorder with microcephaly, impaired language, and gait abnormalities. Identifiers: MedGen C5436783, MONDO:0100348, OMIM 619091.
Neurodevelopmental disorder with microcephaly, impaired language, epilepsy, and gait abnormalities. Identifiers: MedGen C5436788, MONDO:0030837, OMIM 619092.

gnomAD v4.1: 1 of 1,613,162 alleles (0.000062%); highest among the groups gnomAD compares: Non-Finnish European, 0.000085%; no homozygotes.

Submission:

Institute of Human Genetics, University of Goettingen
Classification: Uncertain significance for Neurodevelopmental disorder with microcephaly, impaired language, epilepsy, and gait abnormalities; Neurodevelopmental disorder with microcephaly, impaired language, and gait abnormalities. Last evaluated: 2024-10-22. Review status: criteria provided, single submitter. Criteria: ACMG Guidelines, 2015. Collection method: clinical testing. Allele origin: unknown. Affected: yes. Observed: 1 heterozygote.
Comment: The variant c.986G>C (p.(Arg329Pro)) in exon 9 of the NARS1-gene is found once in the gnomAD database (v4.1.0), it affects a highly conserved nucleotide and a highly conserved amino acid. There is a moderate physicochemical difference between Arg and Pro. This variant has a pathogenic computational verdict based on in silico prediction algorithms. ACMG criteria used for classification: PM2_sup, PM5_sup, PP3_sup